The following is an entry in ClinVar:

ClinVar aggregate classification (germline): Conflicting classifications of pathogenicity. Review status: criteria provided, conflicting classifications (1 of 4 stars). 7 submissions from 7 submitters: Uncertain significance (1); Benign (1); Likely benign (4). 1 of the submissions does not count toward it. Last evaluated 2026-01-26.

Conditions:
RBP3-related disorder. Also called: RBP3-related condition.
Retinitis pigmentosa 66 (RP66). Identifiers: Orphanet 791, MedGen C3715216, MONDO:0014093, OMIM 615233.
Retinitis pigmentosa (RP). Identifiers: Orphanet 791, MedGen C0035334, MeSH D012174, MONDO:0019200, OMIM 268000. Inheritance: Autosomal dominant, autosomal recessive and X linked inheritance.

Allele frequency attached by ClinVar (database versions not stated): ESP Exome Variant Server 0.00331; gnomAD 0.00269 and 0.00297; 1000 Genomes Project 30x 0.00062; TOPMed 0.00299; 1000 Genomes Project 0.00060.
gnomAD v4.1: 7,323 of 1,612,976 alleles (0.45%); highest among the groups gnomAD compares: Non-Finnish European, 0.59%; 15 homozygotes.

Submissions (7):

Labcorp Genetics (formerly Invitae), Labcorp
Classification: Likely benign. Last evaluated: 2026-01-26. Review status: criteria provided, single submitter. Criteria: Invitae Variant Classification Sherloc (09022015). Collection method: clinical testing. Allele origin: germline.

PreventionGenetics, part of Exact Sciences
Classification: Likely benign for RBP3-related condition. Last evaluated: 2025-09-19. Review status: criteria provided, single submitter. Criteria: ACMG Guidelines, 2015. Collection method: clinical testing. Allele origin: germline.
Comment: This variant is classified as likely benign based on ACMG/AMP sequence variant interpretation guidelines (Richards et al. 2015 PMID: 25741868, with internal and published modifications).

Blueprint Genetics
Classification: Likely benign. Last evaluated: 2024-11-27. Review status: criteria provided, single submitter. Criteria: ACMG Guidelines, 2015. Collection method: clinical testing. Allele origin: germline.

CeGaT Center for Human Genetics Tuebingen
Classification: Likely benign. Last evaluated: 2020-01-01. Review status: criteria provided, single submitter. Criteria: CeGaT Center For Human Genetics Tuebingen Variant Classification Criteria Version 2. Collection method: clinical testing. Allele origin: germline. Affected: yes. Observed: 1 variant allele.

Illumina Laboratory Services, Illumina
Classification: Uncertain significance for Retinitis pigmentosa. Last evaluated: 2017-04-27. Review status: criteria provided, single submitter. Criteria: ICSL Variant Classification Criteria 13 December 2019. Collection method: clinical testing. Allele origin: germline.
Comment: This variant was observed as part of a predisposition screen in an ostensibly healthy population. A literature search was performed for the gene, cDNA change, and amino acid change (where applicable). Publications were found based on this search. However, the evidence from the literature, in combination with allele frequency data from public databases where available, was not sufficient to rule this variant in or out of causing disease. Therefore, this variant is classified as a variant of unknown significance.

Eurofins Ntd Llc (ga)
Classification: Benign. Last evaluated: 2014-11-08. Review status: criteria provided, single submitter. Criteria: EGL Classification Definitions 2015. Collection method: clinical testing. Allele origin: germline. Observed: 2 variant alleles, 2 heterozygotes.

ClinVar Staff, National Center for Biotechnology Information (NCBI)
Classification: Uncertain significance for Retinitis pigmentosa 66. Last evaluated: 2013-06-27. Review status: no assertion criteria provided. Collection method: literature only. Allele origin: germline. Affected: yes. Not counted in ClinVar's aggregate classification.

Literature cited by the submitters: PubMed 19074801 (cited by 3 submitters).

NM_002900.3(RBP3):c.1631G>A (p.Arg544His)

Gene: RBP3 (retinol binding protein 3; plus strand). Cytogenetic location: 10q11.22.
Variant type: single nucleotide variant.
Coding change: c.1631G>A on transcript NM_002900.3 (MANE Select); coding-DNA position 1631, G replaced by A.
Protein change: p.Arg544His; replaces arginine 544 with histidine.
Molecular consequence: missense variant.
Genome position (GRCh38, 1-based): chr10:47,350,115, G>A. VCF-style: chr10-47350115-G-A. GRCh37 (hg19) VCF-style: chr10-48389247-C-T.
Other names: short protein forms R544H.
Identifiers: ClinVar variation 94087 (VCV000094087.58), dbSNP rs41284962, ClinGen allele CA147601.